The following is an entry in ClinVar:

NM_001369268.1(ACAN):c.7092G>A (p.Lys2364=)

Gene: ACAN (aggrecan; plus strand). Cytogenetic location: 15q26.1.
Variant type: single nucleotide variant.
Coding change: c.7092G>A on transcript NM_001369268.1 (MANE Select); coding-DNA position 7092, G replaced by A.
Protein change: p.Lys2364=; no amino-acid change (lysine 2364 retained).
Molecular consequence: synonymous variant.
Genome position (GRCh38, 1-based): chr15:88,871,413, G>A. VCF-style: chr15-88871413-G-A. GRCh37 (hg19) VCF-style: chr15-89414644-G-A.
Other names: c.6864G>A, p.Lys2288= (NM_001135.4); c.6978G>A, p.Lys2326= (NM_013227.4).
Identifiers: ClinVar variation 288572 (VCV000288572.17), dbSNP rs368979713, ClinGen allele CA7720560.
Genomic context (GRCh38, chr15:88,871,413, plus strand): 5'-TCCCTTCAAGCCCCTGACCTGTGTTGCAGACCAGGAGGTATGTGAGGAGGGCTGGAACAA[G>A]TACCAGGGCCACTGTTACCGCCACTTCCCGGACCGCGAGACCTGGGTGGATGCTGAGCGC-3'
Protein context (NP_001356197.1, residues 2354-2374): DQEVCEEGWN[Lys2364=]YQGHCYRHFP

ClinVar aggregate classification (germline): Conflicting classifications of pathogenicity. Review status: criteria provided, conflicting classifications (1 of 4 stars). 4 submissions from 4 submitters: Uncertain significance (1); Likely benign (3). Last evaluated 2026-04-01.

Allele frequency attached by ClinVar (database versions not stated): 1000 Genomes Project 30x 0.00016; ESP Exome Variant Server 0.00063; TOPMed 0.00083; gnomAD exomes 0.00086 and 0.00134; gnomAD 0.00088 and 0.00093; ExAC 0.00094.
gnomAD v4.1: 2,066 of 1,613,948 alleles (0.13%); highest among the groups gnomAD compares: Non-Finnish European, 0.17%; 2 homozygotes.

Submissions (4):

CeGaT Center for Human Genetics Tuebingen
Classification: Likely benign. Last evaluated: 2026-04-01. Review status: criteria provided, single submitter. Criteria: CeGaT Center For Human Genetics Tuebingen Variant Classification Criteria Version 2. Collection method: clinical testing. Allele origin: germline. Affected: yes. Observed: 1 variant allele.
Comment: ACAN: BP4, BP7

Labcorp Genetics (formerly Invitae), Labcorp
Classification: Likely benign. Last evaluated: 2026-01-29. Review status: criteria provided, single submitter. Criteria: Invitae Variant Classification Sherloc (09022015). Collection method: clinical testing. Allele origin: germline.

Blueprint Genetics
Classification: Likely benign. Last evaluated: 2024-11-14. Review status: criteria provided, single submitter. Criteria: ACMG Guidelines, 2015. Collection method: clinical testing. Allele origin: germline.

Eurofins Ntd Llc (ga)
Classification: Uncertain significance. Last evaluated: 2016-06-23. Review status: criteria provided, single submitter. Criteria: EGL Classification Definitions 2015. Collection method: clinical testing. Allele origin: germline. Observed: 1 variant allele, 1 heterozygote.